The following is an entry in ClinVar:

NM_147127.5(EVC2):c.2124C>G (p.His708Gln)

Gene: EVC2 (EvC ciliary complex subunit 2; minus strand). Cytogenetic location: 4p16.2.
Variant type: single nucleotide variant.
Coding change: c.2124C>G on transcript NM_147127.5 (MANE Select); coding-DNA position 2124, C replaced by G.
Protein change: p.His708Gln; replaces histidine 708 with glutamine.
Molecular consequence: missense variant.
Genome position (GRCh38, 1-based): chr4:5,622,914, G>C on the plus strand (C>G on the coding strand, the complement: EVC2 is on the minus strand). VCF-style: chr4-5622914-G-C. GRCh37 (hg19) VCF-style: chr4-5624641-G-C.
Other names: c.1884C>G, p.His628Gln (NM_001166136.2); short protein forms H628Q, H708Q.
Identifiers: ClinVar variation 2163875 (VCV002163875.1), dbSNP rs924514803, ClinGen allele CA91700768.

ClinVar aggregate classification (germline): Uncertain significance (1 of 4 stars; one submission).

Conditions:
Ellis-van Creveld syndrome (EVC). Also called: EVC-Related Ellis-van Creveld Syndrome; EVC2-Related Ellis-van Creveld Syndrome; Chondroectodermal dysplasia; MESOECTODERMAL DYSPLASIA. Identifiers: Orphanet 289, MedGen C0013903, MONDO:0009162, OMIM 225500.
Curry-Hall syndrome (WAD). Also called: WEYERS ACRODENTAL DYSOSTOSIS. Identifiers: Orphanet 952, MedGen C0457013, MONDO:0008673, OMIM 193530.

Allele frequency attached by ClinVar (database versions not stated): gnomAD exomes below 0.00001; gnomAD 0.00001; TOPMed 0.00001.
gnomAD v4.1: 2 of 1,614,042 alleles (0.00012%); highest among the groups gnomAD compares: Admixed American, 0.0033%; no homozygotes.

Submission:

Labcorp Genetics (formerly Invitae), Labcorp
Classification: Uncertain significance for Curry-Hall syndrome; Ellis-van Creveld syndrome. Last evaluated: 2022-04-20. Review status: criteria provided, single submitter. Criteria: Invitae Variant Classification Sherloc (09022015). Collection method: clinical testing. Allele origin: germline.
Comment: This sequence change replaces histidine, which is basic and polar, with glutamine, which is neutral and polar, at codon 708 of the EVC2 protein (p.His708Gln). This variant is present in population databases (no rsID available, gnomAD 0.003%). This variant has not been reported in the literature in individuals affected with EVC2-related conditions. Algorithms developed to predict the effect of missense changes on protein structure and function output the following: SIFT: "Tolerated"; PolyPhen-2: "Benign"; Align-GVGD: "Class C0". The glutamine amino acid residue is found in multiple mammalian species, which suggests that this missense change does not adversely affect protein function. In summary, the available evidence is currently insufficient to determine the role of this variant in disease. Therefore, it has been classified as a Variant of Uncertain Significance.